The following is an entry in ClinVar:

ClinVar aggregate classification (germline): Uncertain significance (1 of 4 stars; one submission).

Submission:

GeneDx
Classification: Uncertain significance. Last evaluated: 2026-03-12. Review status: criteria provided, single submitter. Criteria: GeneDx Variant Classification Process June 2021. Collection method: clinical testing. Allele origin: germline.
Comment: Not observed at significant frequency in large population cohorts (gnomAD); In silico analysis supports that this missense variant has a deleterious effect on protein structure/function; Has not been previously published as pathogenic or benign to our knowledge

NM_013450.4(BAZ2B):c.5170C>G (p.Pro1724Ala)

Gene: BAZ2B (bromodomain adjacent to zinc finger domain 2B; minus strand). Cytogenetic location: 2q24.2.
Variant type: single nucleotide variant.
Coding change: c.5170C>G on transcript NM_013450.4 (MANE Select); coding-DNA position 5170, C replaced by G.
Protein change: p.Pro1724Ala; replaces proline 1724 with alanine.
Molecular consequence: missense variant.
Genome position (GRCh38, 1-based): chr2:159,348,801, G>C on the plus strand (C>G on the coding strand, the complement: BAZ2B is on the minus strand). VCF-style: chr2-159348801-G-C. GRCh37 (hg19) VCF-style: chr2-160205312-G-C.
Other names: c.5062C>G, p.Pro1688Ala (NM_001289975.1); c.5008C>G, p.Pro1670Ala (NM_001329857.2); c.5095C>G, p.Pro1699Ala (NM_001329858.2); short protein forms P1670A, P1688A, P1699A, P1724A.
Identifiers: ClinVar variation 4975213 (VCV004975213.1).